The following is an entry in ClinVar:

NM_006005.3(WFS1):c.1628T>G (p.Leu543Arg)

Gene: WFS1 (wolframin ER transmembrane glycoprotein; plus strand). Cytogenetic location: 4p16.1.
Variant type: single nucleotide variant.
Coding change: c.1628T>G on transcript NM_006005.3 (MANE Select); coding-DNA position 1628, T replaced by G.
Protein change: p.Leu543Arg; replaces leucine 543 with arginine.
Molecular consequence: missense variant.
Genome position (GRCh38, 1-based): chr4:6,301,423, T>G. VCF-style: chr4-6301423-T-G. GRCh37 (hg19) VCF-style: chr4-6303150-T-G.
Other names: c.1628T>G, p.Leu543Arg (NM_001145853.1); short protein forms L543R.
Identifiers: ClinVar variation 2203523 (VCV002203523.5), dbSNP rs1309408215, ClinGen allele CA356176348.

ClinVar aggregate classification (germline): Pathogenic/Likely pathogenic. Review status: criteria provided, multiple submitters, no conflicts (2 of 4 stars). 2 submissions from 2 submitters: Pathogenic (1); Likely pathogenic (1). Last evaluated 2024-02-16.

Conditions:
Wolfram-like syndrome. Also called: HEARING LOSS, PROGRESSIVE, WITH OPTIC ATROPHY AND/OR IMPAIRED GLUCOSE REGULATION. Identifiers: Orphanet 411590, MedGen C3280358, MONDO:0013673, OMIM 614296.
Cataract 41 (CTRCT41). Also called: CATARACT 41, CONGENITAL NUCLEAR TYPE. Identifiers: Orphanet 91492, Orphanet 98991, Orphanet 98992, Orphanet 98995, MedGen C3805412, MONDO:0007287, OMIM 116400.
Autosomal dominant nonsyndromic hearing loss 6 (LFSNHL). Also called: DEAFNESS, AUTOSOMAL DOMINANT 6; DEAFNESS, AUTOSOMAL DOMINANT 14; DEAFNESS, AUTOSOMAL DOMINANT 38; Autosomal dominant nonsyndromic deafness 6. Identifiers: Orphanet 90635, MedGen C1833021, MONDO:0010963, OMIM 600965.
Type 2 diabetes mellitus. Also called: Type II diabetes mellitus. Identifiers: MedGen C0011860, MeSH D003924, MONDO:0005148, OMIM 125853, HP:0005978.
Wolfram syndrome 1 (WFS1). Identifiers: Orphanet 3463, MedGen C4551693, MONDO:0009101, OMIM 222300.

gnomAD v4.1: 1 of 1,612,490 alleles (0.000062%); no homozygotes.

Submissions (2):

Fulgent Genetics
Classification: Likely pathogenic for Cataract 41; Type 2 diabetes mellitus; Wolfram syndrome 1; Autosomal dominant nonsyndromic hearing loss 6; Wolfram-like syndrome. Last evaluated: 2024-02-16. Review status: criteria provided, single submitter. Criteria: ACMG Guidelines, 2015. Collection method: clinical testing. Allele origin: germline.

Labcorp Genetics (formerly Invitae), Labcorp
Classification: Pathogenic. Last evaluated: 2022-01-06. Review status: criteria provided, single submitter. Criteria: Invitae Variant Classification Sherloc (09022015). Collection method: clinical testing. Allele origin: germline.
Comment: For these reasons, this variant has been classified as Pathogenic. Algorithms developed to predict the effect of missense changes on protein structure and function (SIFT, PolyPhen-2, Align-GVGD) all suggest that this variant is likely to be disruptive. This missense change has been observed in individual(s) with Wolfram syndrome (PMID: 12754709, 16151413, 32179840). In at least one individual the data is consistent with being in trans (on the opposite chromosome) from a pathogenic variant. This variant is present in population databases (no rsID available, gnomAD 0.0009%). This sequence change replaces leucine, which is neutral and non-polar, with arginine, which is basic and polar, at codon 543 of the WFS1 protein (p.Leu543Arg).

Literature cited by the submitters: PubMed 12754709 (cited by Labcorp Genetics (formerly Invitae), Labcorp); PubMed 16151413 (cited by Labcorp Genetics (formerly Invitae), Labcorp); PubMed 32179840 (cited by Labcorp Genetics (formerly Invitae), Labcorp).